The following is an entry in ClinVar:

NM_016616.5(NME8):c.793G>T (p.Gly265Ter)

Gene: NME8 (NME/NM23 family member 8; plus strand). Cytogenetic location: 7p14.1.
Variant type: single nucleotide variant.
Coding change: c.793G>T on transcript NM_016616.5 (MANE Select); coding-DNA position 793, G replaced by T.
Protein change: p.Gly265Ter; replaces glycine 265 with a stop codon.
Molecular consequence: nonsense.
Genome position (GRCh38, 1-based): chr7:37,867,873, G>T. VCF-style: chr7-37867873-G-T. GRCh37 (hg19) VCF-style: chr7-37907475-G-T.
Other names: short protein forms G265*.
Identifiers: ClinVar variation 1761323 (VCV001761323.5), dbSNP rs191578224, ClinGen allele CA4222342.

ClinVar aggregate classification (germline): Uncertain significance. Review status: criteria provided, multiple submitters, no conflicts (2 of 4 stars). 2 submissions from 2 submitters: Uncertain significance (2). Last evaluated 2025-10-14.

Conditions:
Primary ciliary dyskinesia 6. Also called: Primary Ciliary Dyskinesia 6: TXNDC3-Related Primary Ciliary Dyskinesia. Identifiers: Orphanet 244, MedGen C1970506, MONDO:0012571, OMIM 610852.
Primary ciliary dyskinesia. Also called: Ciliary dyskinesia. Identifiers: Orphanet 244, MedGen C0008780, MONDO:0016575, HP:0012265.

Allele frequency attached by ClinVar (database versions not stated): gnomAD 0.00006; TOPMed 0.00009; ExAC 0.00012; 1000 Genomes Project 30x 0.00047; 1000 Genomes Project 0.00060.
gnomAD v4.1: 56 of 1,613,698 alleles (0.0035%); highest among the groups gnomAD compares: East Asian, 0.12%; 1 homozygote.

Submissions (2):

Labcorp Genetics (formerly Invitae), Labcorp
Classification: Uncertain significance for Primary ciliary dyskinesia 6. Last evaluated: 2025-10-14. Review status: criteria provided, single submitter. Criteria: Invitae Variant Classification Sherloc (09022015). Collection method: clinical testing. Allele origin: germline.
Comment: This sequence change creates a premature translational stop signal (p.Gly265*) in the NME8 gene. It is expected to result in an absent or disrupted protein product. However, the current clinical and genetic evidence is not sufficient to establish whether loss-of-function variants in NME8 cause disease. This variant is present in population databases (rs191578224, gnomAD 0.1%), and has an allele count higher than expected for a pathogenic variant. This variant has not been reported in the literature in individuals affected with NME8-related conditions. ClinVar contains an entry for this variant (Variation ID: 1761323). In summary, the available evidence is currently insufficient to determine the role of this variant in disease. Therefore, it has been classified as a Variant of Uncertain Significance.

Ambry Genetics
Classification: Uncertain significance for Primary ciliary dyskinesia. Last evaluated: 2018-07-24. Review status: criteria provided, single submitter. Criteria: Ambry Variant Classification Scheme 2023. Collection method: clinical testing. Allele origin: germline.
Comment: The p.G265* variant (also known as c.793G>T), located in coding exon 9 of the NME8 gene, results from a G to T substitution at nucleotide position 793. This changes the amino acid from a glycine to a stop codon within coding exon 9. This alteration is expected to result in loss of function by premature protein truncation or nonsense-mediated mRNA decay. However, loss of function of NME8 has not been clearly established as a mechanism of disease. Since supporting evidence is limited at this time, the clinical significance of this alteration remains unclear.